The following is an entry in ClinVar:

NM_004409.5(DMPK):c.*224CTG[496]

Genes: DM1-AS (DM1 locus antisense RNA; plus strand), DMPK (DM1 protein kinase; minus strand), LOC107075317 (origin of replication in DMPK trinucleotide repeat region; plus strand), LOC109461477 (dystrophia myotonica protein kinase repeat instability region; plus strand). Cytogenetic location: 19q13.32.
Variant type: Microsatellite.
Coding change: c.*224CTG[496] on transcript NM_004409.5 (MANE Select); 496 copies in a row of the 3-base unit CTG starting at c.*224.
Molecular consequence: 3 prime UTR variant.
Genome position: GRCh38, VCF-style position (the base before the change): chr19:45,770,204. GRCh37 (hg19), VCF-style position (the base before the change): chr19:46,273,462.
Other names: c.*369CTG[496] (NM_001424164.1, NM_001288766.2, NM_001424168.1); c.*222_*224TGC[496] (NM_001081563.3); c.*224CTG[496] (NM_001081560.3, NM_001288764.2, NM_001424165.1 and 1 more transcripts); c.*217CTG[496] (NM_001081562.3, NM_001288765.2, NM_001424162.1 and 2 more transcripts).
Identifiers: ClinVar variation 523764 (VCV000523764.2), ClinGen allele CA915951813.

ClinVar aggregate classification (germline): Pathogenic (0 of 4 stars; one submission).

Conditions:
Steinert myotonic dystrophy syndrome (DM1). Also called: STEINERT DISEASE; Myotonic dystrophy type 1; Dystrophia myotonica type 1; Steinert myotonic dystrophy; Steinert's disease. Identifiers: Orphanet 273, MedGen C3250443, MONDO:0008056, OMIM 160900.

Submission:

Institute of Molecular, Cell and Systems Biology, University of Glasgow
Classification: Pathogenic for Steinert myotonic dystrophy syndrome. Last evaluated: 2018-03-14. Review status: no assertion criteria provided. Collection method: research. Allele origin: unknown. Inheritance: Autosomal dominant inheritance. Affected: yes. Observed: 1 variant allele.
Comment: DMPK CTG repeat expansions greater than approximately 45-50 repeats are assumed to be pathogenic

Literature cited by the submitters: PubMed 29967337; PubMed 1346923; PubMed 1546326.